The following is an entry in ClinVar:

NM_007194.4(CHEK2):c.792+6T>A

Gene: CHEK2 (checkpoint kinase 2; minus strand). Cytogenetic location: 22q12.1.
Variant type: single nucleotide variant.
Coding change: c.792+6T>A on transcript NM_007194.4 (MANE Select); 6 bases into the intron after coding-DNA position 792, T replaced by A.
Molecular consequence: intron variant.
Genome position (GRCh38, 1-based): chr22:28,711,903, A>T on the plus strand (T>A on the coding strand, the complement: CHEK2 is on the minus strand). VCF-style: chr22-28711903-A-T. GRCh37 (hg19) VCF-style: chr22-29107891-A-T.
Other names: c.129+6T>A (NM_001437942.1, NM_001257387.3); c.591+6T>A (NM_001349956.3); c.792+6T>A (NM_145862.3); c.885+6T>A (NM_001438295.1, NM_001438293.1); c.921+6T>A (NM_001438294.1, NM_001005735.3).
Identifiers: ClinVar variation 2103175 (VCV002103175.4), dbSNP rs2145948490, ClinGen allele CA2580099673.

ClinVar aggregate classification (germline): Uncertain significance (1 of 4 stars; one submission).

Conditions:
Familial cancer of breast. Also called: Hereditary breast cancer; hereditary breast carcinoma; BREAST CANCER, FAMILIAL. Identifiers: Orphanet 227535, MedGen C0346153, MONDO:0016419, OMIM 114480. Disease mechanism: loss of function.

Submission:

Labcorp Genetics (formerly Invitae), Labcorp
Classification: Uncertain significance for Familial cancer of breast. Last evaluated: 2024-07-24. Review status: criteria provided, single submitter. Criteria: Invitae Variant Classification Sherloc (09022015). Collection method: clinical testing. Allele origin: germline.
Comment: This sequence change falls in intron 6 of the CHEK2 gene. It does not directly change the encoded amino acid sequence of the CHEK2 protein. It affects a nucleotide within the consensus splice site. This variant is not present in population databases (gnomAD no frequency). This variant has not been reported in the literature in individuals affected with CHEK2-related conditions. ClinVar contains an entry for this variant (Variation ID: 2103175). Variants that disrupt the consensus splice site are a relatively common cause of aberrant splicing (PMID: 17576681, 9536098). Algorithms developed to predict the effect of sequence changes on RNA splicing suggest that this variant may disrupt the consensus splice site. In summary, the available evidence is currently insufficient to determine the role of this variant in disease. Therefore, it has been classified as a Variant of Uncertain Significance.

Literature cited by the submitters: PubMed 17576681; PubMed 9536098.